The following is an entry in ClinVar:

ClinVar aggregate classification (germline): Uncertain significance (1 of 4 stars; one submission).

gnomAD v4.1: 11 of 1,610,288 alleles (0.00068%); highest among the groups gnomAD compares: Non-Finnish European, 0.00085%; no homozygotes.

Submission:

Labcorp Genetics (formerly Invitae), Labcorp
Classification: Uncertain significance. Last evaluated: 2024-04-01. Review status: criteria provided, single submitter. Criteria: Invitae Variant Classification Sherloc (09022015). Collection method: clinical testing. Allele origin: germline.
Comment: This sequence change replaces valine, which is neutral and non-polar, with glycine, which is neutral and non-polar, at codon 3543 of the LAMA5 protein (p.Val3543Gly). This variant is not present in population databases (gnomAD no frequency). This variant has not been reported in the literature in individuals affected with LAMA5-related conditions. ClinVar contains an entry for this variant (Variation ID: 2090879). Advanced modeling of protein sequence and biophysical properties (such as structural, functional, and spatial information, amino acid conservation, physicochemical variation, residue mobility, and thermodynamic stability) has been performed at Invitae for this missense variant, however the output from this modeling did not meet the statistical confidence thresholds required to predict the impact of this variant on LAMA5 protein function. In summary, the available evidence is currently insufficient to determine the role of this variant in disease. Therefore, it has been classified as a Variant of Uncertain Significance.

NM_005560.6(LAMA5):c.10628T>G (p.Val3543Gly)

Gene: LAMA5 (laminin subunit alpha 5; minus strand). Cytogenetic location: 20q13.33.
Variant type: single nucleotide variant.
Coding change: c.10628T>G on transcript NM_005560.6 (MANE Select); coding-DNA position 10628, T replaced by G.
Protein change: p.Val3543Gly; replaces valine 3543 with glycine.
Molecular consequence: missense variant.
Genome position (GRCh38, 1-based): chr20:62,310,284, A>C on the plus strand (T>G on the coding strand, the complement: LAMA5 is on the minus strand). VCF-style: chr20-62310284-A-C. GRCh37 (hg19) VCF-style: chr20-60885340-A-C.
Other names: short protein forms V3543G.
Identifiers: ClinVar variation 2090879 (VCV002090879.4), dbSNP rs764177402, ClinGen allele CA409535320.